The following is an entry in ClinVar:

ClinVar aggregate classification (germline): Pathogenic. Review status: criteria provided, single submitter (1 of 4 stars). 2 submissions from 2 submitters: Pathogenic (1). 1 of the submissions does not count toward it. Last evaluated 2025-11-13.

Conditions:
Recessive dystrophic epidermolysis bullosa (RDEB). Also called: EPIDERMOLYSIS BULLOSA DYSTROPHICA, GENERALIZED SEVERE, AUTOSOMAL RECESSIVE; Epidermolysis Bullosa Distrophica Autosomal Recessive (RDEB); severe generalized recessive dystrophic epidermolysis bullosa; DYSTROPHIC EPIDERMOLYSIS BULLOSA, AUTOSOMAL RECESSIVE; EPIDERMOLYSIS BULLOSA DYSTROPHICA, HALLOPEAU-SIEMENS TYPE; Hallopeau-Siemens Disease. Identifiers: Orphanet 79408, Orphanet 79409, MedGen C0079474, MONDO:0009179, OMIM 226600.
COL7A1-related disorder. Also called: COL7A1-related condition; COL7A1- related disorders.

Submissions (2):

Women's Health and Genetics/Laboratory Corporation of America, LabCorp
Classification: Pathogenic for Recessive dystrophic epidermolysis bullosa. Last evaluated: 2025-11-13. Review status: criteria provided, single submitter. Criteria: LabCorp Variant Classification Summary - May 2015. Collection method: clinical testing. Allele origin: germline.
Comment: Variant summary: COL7A1 c.7096G>T (p.Gly2366Cys) results in a non-conservative amino acid change in the encoded protein sequence. Algorithms developed to predict the effect of missense changes on protein structure and function all suggest that this variant is likely to be disruptive. The variant was absent in 251362 control chromosomes (gnomAD). c.7096G>T has been observed in individuals affected with Dystrophic Epidermolysis Bullosa, Recessive (Sawamura_2005, Almaani_2011). These data indicate that the variant may be associated with disease. A different variant affecting the same codon has been classified as likely pathogenic/pathogenic by our lab (c.7097G>C, p.Gly2366Ala), supporting the critical relevance of codon 2366 to COL7A1 protein function. To our knowledge, no experimental evidence demonstrating an impact on protein function has been reported. The following publications have been ascertained in the context of this evaluation (PMID: 21448560, 37302620, 16189623). ClinVar contains an entry for this variant (Variation ID: 3036261). Based on the evidence outlined above, the variant was classified as pathogenic.

PreventionGenetics, part of Exact Sciences
Classification: Pathogenic for COL7A1-related condition. Last evaluated: 2024-02-23. Review status: no assertion criteria provided. Collection method: clinical testing. Allele origin: germline. Not counted in ClinVar's aggregate classification.
Comment: The COL7A1 c.7096G>T variant is predicted to result in the amino acid substitution p.Gly2366Cys. This variant has been reported in the compound heterozygote state in an individual with autosomal recessive dystrophic epidermolysis bullosa (Sawamura et al. 2005. PubMed ID: 16189623; Almaani et al. 2011. PubMed ID: 21448560). Of note, other amino acid substitutions involving this residue (p.Gly2366Ser; p.Gly2366Arg; p.Gly2366Asp; p.Gly2366Ala; p.Gly2366Val) were found in individuals with autosomal dominant or recessive dystrophic epidermolysis bullosa (Hashimoto et al. 1999. PubMed ID: 10232406; Lucky et al. 2018. PubMed ID: 29334134; Escámez et al. 2010. PubMed ID: 20184583; Chen et al. 2022. PubMed ID: 36287101; Chuang et al. 2004. PubMed ID: 15115517). The amino acid residue p.Gly2366Cys resides within the triple helical domain of the COL7A1 protein (amino acids 1254-2783). Glycine substitutions within this domain affect the folding and secretion of type VII collagen, and pathogenic variants altering glycine residues have been reported in individuals with COL7A1-related disorders (Dang and Murrell. 2008. PubMed ID: 18558993; Abu Sa'd et al. 2006. PubMed ID: 16439963; Almaani et al. 2011. PubMed ID: 21448560; Vahidnezhad et al. 2017. PubMed ID: 27899325). This variant has not been reported in a large population database, indicating this variant is rare. This variant is interpreted as pathogenic.

Literature cited by the submitters: PubMed 21448560 (cited by Women's Health and Genetics/Laboratory Corporation of America, LabCorp); PubMed 16189623 (cited by Women's Health and Genetics/Laboratory Corporation of America, LabCorp); PubMed 37302620 (cited by Women's Health and Genetics/Laboratory Corporation of America, LabCorp).

NM_000094.4(COL7A1):c.7096G>T (p.Gly2366Cys)

Gene: COL7A1 (collagen type VII alpha 1 chain; minus strand). Cytogenetic location: 3p21.31.
Variant type: single nucleotide variant.
Coding change: c.7096G>T on transcript NM_000094.4 (MANE Select); coding-DNA position 7096, G replaced by T.
Protein change: p.Gly2366Cys; replaces glycine 2366 with cysteine.
Molecular consequence: missense variant.
Genome position (GRCh38, 1-based): chr3:48,571,251, C>A on the plus strand (G>T on the coding strand, the complement: COL7A1 is on the minus strand). VCF-style: chr3-48571251-C-A. GRCh37 (hg19) VCF-style: chr3-48608684-C-A.
Other names: short protein forms G2366C.
Identifiers: ClinVar variation 3036261 (VCV003036261.3), dbSNP rs1560204600, ClinGen allele CA352651447.